The following is an entry in ClinVar:

NM_000264.5(PTCH1):c.3793G>T (p.Ala1265Ser)

Gene: PTCH1 (patched 1; minus strand). Cytogenetic location: 9q22.32.
Variant type: single nucleotide variant.
Coding change: c.3793G>T on transcript NM_000264.5 (MANE Select); coding-DNA position 3793, G replaced by T.
Protein change: p.Ala1265Ser; replaces alanine 1265 with serine.
Molecular consequence: missense variant. On other transcripts: non-coding transcript variant (1).
Genome position (GRCh38, 1-based): chr9:95,449,080, C>A on the plus strand (G>T on the coding strand, the complement: PTCH1 is on the minus strand). VCF-style: chr9-95449080-C-A. GRCh37 (hg19) VCF-style: chr9-98211362-C-A.
Other names: c.3595G>T, p.Ala1199Ser (NM_001083602.3); c.3790G>T, p.Ala1264Ser (NM_001083603.3); c.3340G>T, p.Ala1114Ser (NM_001083604.3, NM_001083605.3, NM_001083606.3 and 1 more transcripts); c.3637G>T, p.Ala1213Ser (NM_001354918.2); short protein forms A1265S, A1114S, A1199S, A1213S, A1264S.
Identifiers: ClinVar variation 824218 (VCV000824218.4), dbSNP rs759791227, ClinGen allele CA374110923.
Genomic context (GRCh38, chr9:95,449,080, plus strand): 5'-ACTACCACGGTGGGAAGACCCCTCCCCCTGGTTCTGCAGAGTCACTTACAGTGGAGTGGG[C>A]GAAGACGGGGTTTTCTGTGGCTTCCACGATCACTTGGTGGGCAGGGCCTCCCGCGCCCTG-3'
Protein context (NP_000255.2, residues 1255-1275): IVEATENPVF[Ala1265Ser]HSTVVHPESR

ClinVar aggregate classification (germline): Uncertain significance (1 of 4 stars; one submission).

Conditions:
Hereditary cancer-predisposing syndrome. Also called: Neoplastic Syndromes, Hereditary; Tumor predisposition; Hereditary neoplastic syndrome; Hereditary Cancer Syndrome. Identifiers: Orphanet 140162, MedGen C0027672, MeSH D009386, MONDO:0015356.

Submission:

Ambry Genetics
Classification: Uncertain significance for Hereditary cancer-predisposing syndrome. Last evaluated: 2020-10-07. Review status: criteria provided, single submitter. Criteria: Ambry Variant Classification Scheme 2023. Collection method: clinical testing. Allele origin: germline.
Comment: The p.A1265S variant (also known as c.3793G>T), located in coding exon 22 of the PTCH1 gene, results from a G to T substitution at nucleotide position 3793. The alanine at codon 1265 is replaced by serine, an amino acid with similar properties. This amino acid position is highly conserved through mammals but not in lower available vertebrate species. In addition, the in silico prediction for this alteration is inconclusive. Since supporting evidence is limited at this time, the clinical significance of this alteration remains unclear.